The following is an entry in ClinVar:

ClinVar aggregate classification (germline): Benign/Likely benign. Review status: criteria provided, multiple submitters, no conflicts (2 of 4 stars). 6 submissions from 6 submitters: Benign (1); Likely benign (2). 3 of the submissions do not count toward it. Last evaluated 2026-01-17.

Conditions:
Adams-Oliver syndrome 5 (AOS5). Identifiers: Orphanet 974, MedGen C4014970, MONDO:0014459, OMIM 616028.
Aortic valve disease 1 (AOVD1). Identifiers: MedGen C3887892, MONDO:0024523, OMIM 109730.
NOTCH1-related disorder. Also called: NOTCH1-related condition; NOTCH1-related disorders.

Allele frequency attached by ClinVar (database versions not stated): gnomAD exomes 0.00023 and 0.00017; ExAC 0.00035; gnomAD 0.00007 and 0.00009; TOPMed 0.00008.
gnomAD v4.1: 333 of 1,560,556 alleles (0.021%); highest among the groups gnomAD compares: Non-Finnish European, 0.028%; no homozygotes.

Submissions (6):

Labcorp Genetics (formerly Invitae), Labcorp
Classification: Likely benign for Adams-Oliver syndrome 5. Last evaluated: 2026-01-17. Review status: criteria provided, single submitter. Criteria: Invitae Variant Classification Sherloc (09022015). Collection method: clinical testing. Allele origin: germline.

Women's Health and Genetics/Laboratory Corporation of America, LabCorp
Classification: Benign. Last evaluated: 2024-03-12. Review status: criteria provided, single submitter. Criteria: LabCorp Variant Classification Summary - May 2015. Collection method: clinical testing. Allele origin: germline.

Fulgent Genetics
Classification: Likely benign for Aortic valve disease 1; Adams-Oliver syndrome 5. Last evaluated: 2021-07-30. Review status: criteria provided, single submitter. Criteria: ACMG Guidelines, 2015. Collection method: clinical testing. Allele origin: unknown.

PreventionGenetics, part of Exact Sciences
Classification: Likely benign for NOTCH1-related condition. Last evaluated: 2020-02-20. Review status: no assertion criteria provided. Collection method: clinical testing. Allele origin: germline. Not counted in ClinVar's aggregate classification.
Comment: This variant is classified as likely benign based on ACMG/AMP sequence variant interpretation guidelines (Richards et al. 2015 PMID: 25741868, with internal and published modifications).

Clinical Genetics DNA and cytogenetics Diagnostics Lab, Erasmus MC, Erasmus Medical Center
Classification: Likely benign. Review status: no assertion criteria provided. Collection method: clinical testing. Allele origin: germline. Affected: yes. Study: VKGL Data-share Consensus. Not counted in ClinVar's aggregate classification.

Genome Diagnostics Laboratory, Amsterdam University Medical Center
Classification: Likely benign. Review status: no assertion criteria provided. Collection method: clinical testing. Allele origin: germline. Affected: yes. Study: VKGL Data-share Consensus. Not counted in ClinVar's aggregate classification.

NM_017617.5(NOTCH1):c.4586+10C>T

Gene: NOTCH1 (notch receptor 1; minus strand). Cytogenetic location: 9q34.3.
Variant type: single nucleotide variant.
Coding change: c.4586+10C>T on transcript NM_017617.5 (MANE Select); 10 bases into the intron after coding-DNA position 4586, C replaced by T.
Molecular consequence: intron variant.
Genome position (GRCh38, 1-based): chr9:136,505,300, G>A on the plus strand (C>T on the coding strand, the complement: NOTCH1 is on the minus strand). VCF-style: chr9-136505300-G-A. GRCh37 (hg19) VCF-style: chr9-139399752-G-A.
Other names: c.4586+10C>T (LRG_1122t1, NM_017617.4).
Identifiers: ClinVar variation 415399 (VCV000415399.17), dbSNP rs760225110, ClinGen allele CA5340586.